The following is an entry in ClinVar:

ClinVar aggregate classification (germline): Likely benign. Review status: criteria provided, multiple submitters, no conflicts (2 of 4 stars). 3 submissions from 3 submitters: Likely benign (3). Last evaluated 2026-06-03.

Conditions:
ABCC6-related disorder. Also called: ABCC6-related condition.

Allele frequency attached by ClinVar (database versions not stated): gnomAD exomes 0.00001 and 0.00003; ExAC 0.00004; gnomAD 0.00008 and 0.00009; TOPMed 0.00008; 1000 Genomes Project 0.00040; 1000 Genomes Project 30x 0.00047.
gnomAD v4.1: 24 of 1,613,826 alleles (0.0015%); highest among the groups gnomAD compares: African/African-American, 0.029%; no homozygotes.

Submissions (3):

PreventionGenetics, part of Exact Sciences
Classification: Likely benign for ABCC6-related condition. Last evaluated: 2026-06-03. Review status: criteria provided, single submitter. Criteria: ACMG Guidelines, 2015. Collection method: clinical testing. Allele origin: germline.
Comment: This variant is classified as likely benign based on ACMG/AMP sequence variant interpretation guidelines (Richards et al. 2015 PMID: 25741868, with internal and published modifications).

Labcorp Genetics (formerly Invitae), Labcorp
Classification: Likely benign. Last evaluated: 2025-10-26. Review status: criteria provided, single submitter. Criteria: Invitae Variant Classification Sherloc (09022015). Collection method: clinical testing. Allele origin: germline.

Blueprint Genetics
Classification: Likely benign. Last evaluated: 2024-07-05. Review status: criteria provided, single submitter. Criteria: ACMG Guidelines, 2015. Collection method: clinical testing. Allele origin: germline.

NM_001171.6(ABCC6):c.3375C>T (p.Ser1125=)

Gene: ABCC6 (ATP binding cassette subfamily C member 6; minus strand). Cytogenetic location: 16p13.11.
Variant type: single nucleotide variant.
Coding change: c.3375C>T on transcript NM_001171.6 (MANE Select); coding-DNA position 3375, C replaced by T.
Protein change: p.Ser1125=; no amino-acid change (serine 1125 retained).
Molecular consequence: synonymous variant.
Genome position (GRCh38, 1-based): chr16:16,163,124, G>A on the plus strand (C>T on the coding strand, the complement: ABCC6 is on the minus strand). VCF-style: chr16-16163124-G-A. GRCh37 (hg19) VCF-style: chr16-16256981-G-A.
Other names: c.3033C>T, p.Ser1011= (NM_001351800.1); c.3375C>T (NM_001171.5).
Identifiers: ClinVar variation 1618323 (VCV001618323.10), dbSNP rs115364698, ClinGen allele CA7925596.